The following is an entry in ClinVar:

NM_080916.3(DGUOK):c.653A>G (p.Tyr218Cys)

Gene: DGUOK (deoxyguanosine kinase; plus strand). Cytogenetic location: 2p13.1.
Variant type: single nucleotide variant.
Coding change: c.653A>G on transcript NM_080916.3 (MANE Select); coding-DNA position 653, A replaced by G.
Protein change: p.Tyr218Cys; replaces tyrosine 218 with cysteine.
Molecular consequence: missense variant. On other transcripts: non-coding transcript variant (1), intron variant (2).
Genome position (GRCh38, 1-based): chr2:73,957,186, A>G. VCF-style: chr2-73957186-A-G. GRCh37 (hg19) VCF-style: chr2-74184313-A-G.
Other names: c.653A>G (NM_080916.1); c.362A>G, p.Tyr121Cys (NM_001318860.2, NM_001318861.2); c.344A>G, p.Tyr115Cys (NM_001318862.2, NM_001318863.2); c.444-960A>G (NM_080918.3); c.426-960A>G (NM_001318859.2); short protein forms Y218C, Y115C, Y121C.
Identifiers: ClinVar variation 596191 (VCV000596191.8), dbSNP rs137902450, ClinGen allele CA1718314.

ClinVar aggregate classification (germline): Uncertain significance. Review status: criteria provided, multiple submitters, no conflicts (2 of 4 stars). 3 submissions from 3 submitters: Uncertain significance (3). Last evaluated 2025-12-18.

Conditions:
Inborn genetic diseases. Identifiers: MedGen C0950123, MeSH D030342.

Allele frequency attached by ClinVar (database versions not stated): TOPMed 0.00001; ExAC 0.00002; gnomAD exomes 0.00002; gnomAD 0.00003; ESP Exome Variant Server 0.00015.
gnomAD v4.1: 25 of 1,614,076 alleles (0.0015%); highest among the groups gnomAD compares: African/African-American, 0.0053%; no homozygotes.

Submissions (3):

Labcorp Genetics (formerly Invitae), Labcorp
Classification: Uncertain significance. Last evaluated: 2025-12-18. Review status: criteria provided, single submitter. Criteria: Invitae Variant Classification Sherloc (09022015). Collection method: clinical testing. Allele origin: germline.
Comment: This sequence change replaces tyrosine, which is neutral and polar, with cysteine, which is neutral and slightly polar, at codon 218 of the DGUOK protein (p.Tyr218Cys). This variant is present in population databases (rs137902450, gnomAD 0.008%). This variant has not been reported in the literature in individuals affected with DGUOK-related conditions. ClinVar contains an entry for this variant (Variation ID: 596191). Invitae Evidence Modeling of protein sequence and biophysical properties (such as structural, functional, and spatial information, amino acid conservation, physicochemical variation, residue mobility, and thermodynamic stability) indicates that this missense variant is expected to disrupt DGUOK protein function with a positive predictive value of 95%. In summary, the available evidence is currently insufficient to determine the role of this variant in disease. Therefore, it has been classified as a Variant of Uncertain Significance.

Ambry Genetics
Classification: Uncertain significance for Inborn genetic diseases. Last evaluated: 2021-10-26. Review status: criteria provided, single submitter. Criteria: Ambry Variant Classification Scheme 2023. Collection method: clinical testing. Allele origin: germline.

Eurofins Ntd Llc (ga)
Classification: Uncertain significance. Last evaluated: 2018-03-12. Review status: criteria provided, single submitter. Criteria: EGL ClinVar v180209 classification definitions. Collection method: clinical testing. Allele origin: germline. Observed: 1 variant allele, 1 heterozygote.